The following is an entry in ClinVar:

ClinVar aggregate classification (germline): Likely benign. Review status: criteria provided, multiple submitters, no conflicts (2 of 4 stars). 2 submissions from 2 submitters: Likely benign (2). Last evaluated 2024-09-01.

Conditions:
Hyperornithinemia-hyperammonemia-homocitrullinuria syndrome (HHHS). Also called: Ornithine translocase deficiency; HHH SYNDROME. Identifiers: Orphanet 415, MedGen C0268540, MONDO:0009393, OMIM 238970.

Allele frequency attached by ClinVar (database versions not stated): gnomAD 0.00001; gnomAD exomes below 0.00001.
gnomAD v4.1: 6 of 1,614,072 alleles (0.00037%); highest among the groups gnomAD compares: Non-Finnish European, 0.00051%; no homozygotes.

Submissions (2):

CeGaT Center for Human Genetics Tuebingen
Classification: Likely benign. Last evaluated: 2024-09-01. Review status: criteria provided, single submitter. Criteria: CeGaT Center For Human Genetics Tuebingen Variant Classification Criteria Version 2. Collection method: clinical testing. Allele origin: germline. Affected: yes. Observed: 1 variant allele.
Comment: SLC25A15: BP4, BP7

Labcorp Genetics (formerly Invitae), Labcorp
Classification: Likely benign for Hyperornithinemia-hyperammonemia-homocitrullinuria syndrome. Last evaluated: 2024-01-31. Review status: criteria provided, single submitter. Criteria: Invitae Variant Classification Sherloc (09022015). Collection method: clinical testing. Allele origin: germline.

NM_014252.4(SLC25A15):c.402G>A (p.Leu134=)

Gene: SLC25A15 (solute carrier family 25 member 15; plus strand). Cytogenetic location: 13q14.11.
Variant type: single nucleotide variant.
Coding change: c.402G>A on transcript NM_014252.4 (MANE Select); coding-DNA position 402, G replaced by A.
Protein change: p.Leu134=; no amino-acid change (leucine 134 retained).
Molecular consequence: synonymous variant.
Genome position (GRCh38, 1-based): chr13:40,805,205, G>A. VCF-style: chr13-40805205-G-A. GRCh37 (hg19) VCF-style: chr13-41379341-G-A.
Identifiers: ClinVar variation 755076 (VCV000755076.24), dbSNP rs1593294212, ClinGen allele CA483459607.